The following is an entry in ClinVar:

ClinVar aggregate classification (germline): Uncertain significance (1 of 4 stars; one submission).

Conditions:
Cardiovascular phenotype. Identifiers: MedGen CN230736.

Submission:

Ambry Genetics
Classification: Uncertain significance for Cardiovascular phenotype. Last evaluated: 2021-08-25. Review status: criteria provided, single submitter. Criteria: Ambry Variant Classification Scheme 2023. Collection method: clinical testing. Allele origin: germline.
Comment: The p.K109N variant (also known as c.327G>C), located in coding exon 1 of the DES gene, results from a G to C substitution at nucleotide position 327. The lysine at codon 109 is replaced by asparagine, an amino acid with similar properties. This variant was detected in an individual with reported family history of sudden cardiac death and ventricular tachycardia; however, additional details were limited (Seidelmann SB et al. Circ Cardiovasc Genet, 2017 Feb;10). This amino acid position is highly conserved in available vertebrate species. In addition, this alteration is predicted to be deleterious by in silico analysis. Since supporting evidence is limited at this time, the clinical significance of this alteration remains unclear.

Literature cited by the submitters: PubMed 28087566.

NM_001927.4(DES):c.327G>C (p.Lys109Asn)

Gene: DES (desmin; plus strand). Cytogenetic location: 2q35.
Variant type: single nucleotide variant.
Coding change: c.327G>C on transcript NM_001927.4 (MANE Select); coding-DNA position 327, G replaced by C.
Protein change: p.Lys109Asn; replaces lysine 109 with asparagine.
Molecular consequence: missense variant.
Genome position (GRCh38, 1-based): chr2:219,418,789, G>C. VCF-style: chr2-219418789-G-C. GRCh37 (hg19) VCF-style: chr2-220283511-G-C.
Other names: c.327G>C, p.Lys109Asn (NM_001382708.1, NM_001382709.1, NM_001382710.1 and 3 more transcripts); short protein forms K109N.
Identifiers: ClinVar variation 1729726 (VCV001729726.2), dbSNP rs2125166233, ClinGen allele CA350685254.